The following is an entry in ClinVar:

NM_001042492.3(NF1):c.7315T>G (p.Leu2439Val)

Gene: NF1 (neurofibromin 1; plus strand). Cytogenetic location: 17q11.2.
Variant type: single nucleotide variant.
Coding change: c.7315T>G on transcript NM_001042492.3 (MANE Select); coding-DNA position 7315, T replaced by G.
Protein change: p.Leu2439Val; replaces leucine 2439 with valine.
Molecular consequence: missense variant.
Genome position (GRCh38, 1-based): chr17:31,349,245, T>G. VCF-style: chr17-31349245-T-G. GRCh37 (hg19) VCF-style: chr17-29676263-T-G.
Other names: c.7252T>G, p.Leu2418Val (NM_000267.4); short protein forms L2418V, L2439V.
Identifiers: ClinVar variation 1757928 (VCV001757928.3), dbSNP rs1597858629, ClinGen allele CA399016917.

ClinVar aggregate classification (germline): Uncertain significance (1 of 4 stars; one submission).

Conditions:
Hereditary cancer-predisposing syndrome. Also called: Neoplastic Syndromes, Hereditary; Tumor predisposition; Hereditary Cancer Syndrome; Hereditary neoplastic syndrome. Identifiers: Orphanet 140162, MedGen C0027672, MeSH D009386, MONDO:0015356.
Cardiovascular phenotype. Identifiers: MedGen CN230736.

Submission:

Ambry Genetics
Classification: Uncertain significance for Cardiovascular phenotype; Hereditary cancer-predisposing syndrome. Last evaluated: 2025-01-03. Review status: criteria provided, single submitter. Criteria: Ambry Variant Classification Scheme 2023. Collection method: clinical testing. Allele origin: germline.
Comment: The p.L2418V variant (also known as c.7252T>G), located in coding exon 48 of the NF1 gene, results from a T to G substitution at nucleotide position 7252. The leucine at codon 2418 is replaced by valine, an amino acid with highly similar properties. This amino acid position is highly conserved in available vertebrate species. In addition, the in silico prediction for this alteration is inconclusive. Since supporting evidence is limited at this time, the clinical significance of this alteration remains unclear.